The following is an entry in ClinVar:

NM_006393.3(NEBL):c.1949A>G (p.Lys650Arg)

Gene: NEBL (nebulette; minus strand). Cytogenetic location: 10p12.31.
Variant type: single nucleotide variant.
Coding change: c.1949A>G on transcript NM_006393.3 (MANE Select); coding-DNA position 1949, A replaced by G.
Protein change: p.Lys650Arg; replaces lysine 650 with arginine.
Molecular consequence: missense variant. On other transcripts: intron variant (9).
Genome position (GRCh38, 1-based): chr10:20,823,221, T>C on the plus strand (A>G on the coding strand, the complement: NEBL is on the minus strand). VCF-style: chr10-20823221-T-C. GRCh37 (hg19) VCF-style: chr10-21112150-T-C.
Other names: c.250-10281A>G (NM_001377326.1, NM_001377327.1, NM_001377328.1); c.358-10281A>G (NM_213569.2, NM_001173484.2, NM_001377322.1); c.301-10281A>G (NM_001377324.1); c.292-10281A>G (NM_001377325.1); c.310-10281A>G (NM_001377323.1); short protein forms K650R.
Identifiers: ClinVar variation 4118403 (VCV004118403.1).
Genomic context (GRCh38, chr10:20,823,221, plus strand): 5'-TTGATATACAATAAAATTTTTAAAAAATACTTAAGAAATATGATCACATTGCTGATGTTC[T>C]TCTGGTTTTCTTTAACTCTCTTTAGTTCTGGAGGATCAGAAATGGCTGTTGCATGTTTAA-3'
Protein context (NP_006384.1, residues 640-660): PELKRVKENQ[Lys650Arg]NISNLQYKEQ

ClinVar aggregate classification (germline): Uncertain significance (1 of 4 stars; one submission).

gnomAD v4.1: 7 of 1,605,166 alleles (0.00044%); highest among the groups gnomAD compares: Admixed American, 0.01%; no homozygotes.

Submission:

Ambry Genetics
Classification: Uncertain significance. Last evaluated: 2025-07-21. Review status: criteria provided, single submitter. Criteria: Ambry Variant Classification Scheme 2023. Collection method: clinical testing. Allele origin: germline.
Comment: The p.K650R variant (also known as c.1949A>G), located in coding exon 19 of the NEBL gene, results from an A to G substitution at nucleotide position 1949. The lysine at codon 650 is replaced by arginine, an amino acid with highly similar properties. This amino acid position is conserved. In addition, this alteration is predicted to be tolerated by in silico analysis. Based on the available evidence, the clinical significance of this variant remains unclear.